The following is an entry in ClinVar:

ClinVar aggregate classification (germline): Pathogenic. Review status: no assertion criteria provided (0 of 4 stars). 2 submissions from 2 submitters: Pathogenic (2). Last evaluated 2021-06-01.

Conditions:
Retinitis pigmentosa (RP). Identifiers: Orphanet 791, MedGen C0035334, MeSH D012174, MONDO:0019200, OMIM 268000. Inheritance: Autosomal dominant, autosomal recessive and X linked inheritance.
Bietti crystalline corneoretinal dystrophy (BCD). Also called: Bietti Crystalline Dystrophy; BIETTI TAPETORETINAL DEGENERATION WITH MARGINAL CORNEAL DYSTROPHY. Identifiers: Orphanet 41751, MedGen C1859486, MONDO:0008865, OMIM 210370.

Allele frequency attached by ClinVar (database versions not stated): gnomAD exomes 0.00001; TOPMed 0.00001.

Submissions (2):

The Key Laboratory for Human Disease Gene Study of Sichuan Province, Sichuan Academy of Medical Sciences & Sichuan Provincial People’s Hospital
Classification: Pathogenic for Retinitis pigmentosa. Last evaluated: 2021-06-01. Review status: no assertion criteria provided. Collection method: case-control. Allele origin: inherited. Inheritance: Autosomal recessive inheritance. Affected: yes.
Comment: It provides a new screening target for prenatal diagnosis of retinitis pigmentosa.

GeneReviews
Classification: Pathogenic for Bietti Crystalline Dystrophy. Last evaluated: 2012-04-12. Review status: no assertion criteria provided. Collection method: curation. Allele origin: unknown.
ClinVar note: Converted during submission from pathologic to Pathogenic.

Literature cited by the submitters: DOI 10.1038/ejhg.2016.184 (cited by The Key Laboratory for Human Disease Gene Study of Sichuan Province, Sichuan Academy of Medical Sciences & Sichuan Provincial People’s Hospital); DOI 10.1016/j.bbrc.2011.04.112 (cited by The Key Laboratory for Human Disease Gene Study of Sichuan Province, Sichuan Academy of Medical Sciences & Sichuan Provincial People’s Hospital).

NM_207352.4(CYP4V2):c.958C>T (p.Arg320Ter)

Gene: CYP4V2 (cytochrome P450 family 4 subfamily V member 2; plus strand). Cytogenetic location: 4q35.2.
Variant type: single nucleotide variant.
Coding change: c.958C>T on transcript NM_207352.4 (MANE Select); coding-DNA position 958, C replaced by T.
Protein change: p.Arg320Ter; replaces arginine 320 with a stop codon.
Molecular consequence: nonsense.
Genome position (GRCh38, 1-based): chr4:186,201,313, C>T. VCF-style: chr4-186201313-C-T. GRCh37 (hg19) VCF-style: chr4-187122467-C-T.
Other names: c.1262C>T; short protein forms R320*.
Identifiers: ClinVar variation 39272 (VCV000039272.10), dbSNP rs199476194, ClinGen allele CA343741.